The following is an entry in ClinVar:

ClinVar aggregate classification (germline): Pathogenic. Review status: reviewed by expert panel (3 of 4 stars). 7 submissions from 6 submitters: Pathogenic (1). 6 of the submissions do not count toward it. Last evaluated 2025-09-05.

Conditions:
RPGR-related retinopathy. Also called: RPGR retinopathy. Identifiers: MedGen CN305589, MONDO:0100437.
Retinal dystrophy. Also called: Inherited retinal dystrophy. Identifiers: Orphanet 71862, MedGen C0854723, MeSH D058499, MONDO:0019118, HP:0000556.
Primary ciliary dyskinesia. Also called: Ciliary dyskinesia. Identifiers: Orphanet 244, MedGen C0008780, MONDO:0016575, HP:0012265.
Retinitis pigmentosa 3. Also called: CHOROIDORETINAL DEGENERATION WITH RETINAL REFLEX IN HETEROZYGOUS WOMEN. Identifiers: Orphanet 791, MedGen C1845667, MONDO:0010227, OMIM 300029.

Allele frequency attached by ClinVar (database versions not stated): gnomAD exomes 0.00001 and 0.00002.

Submissions (7):

ClinGen X-linked Inherited Retinal Disease Variant Curation Expert Panel, ClinGen
Classification: Pathogenic for RPGR-related retinopathy. Last evaluated: 2025-09-05. Review status: reviewed by expert panel. Criteria: ClinGen X LinkedIRD ACMG Specifications RPGR V1.0.0. Collection method: curation. Allele origin: germline. Inheritance: X-linked inheritance.
Comment: NM_001034853.2(RPGR):c.2543del (p.Glu848GlyfsTer?) is a frameshift variant due to deletion of 1 nucleotide that introduces a premature stop codon within exon 15 of 15 that is predicted to disrupt a critical C-terminal region required for proper glutamylation of RPGR (PVS1, PMID: 36445968). This variant is absent from gnomAD v4.1.0 (PM2_Supporting). At least one proband harboring this variant exhibits a phenotype including first/second-decade onset (1 pt), rod involvement relatively greater than cone involvement (1 pt), delayed or milder phenotype in females (1 pt), patient report of night blindness (0.5 pts), optic nerve pallor (0.5 pts), pigmentary retinopathy (0.5 pts), myopia (0.5 pts) and genotyping by next-generation sequencing that showed no alternative basis for disease (2 pts) which together are specific for RPGR-related retinopathy (7 points, PMID: 36882936, PP4). This variant has been reported in at least 1 proband meeting one of the PS4 requirements of a female with functional visual abnormality and documentation of a male relative affected with retinitis pigmentosa, in addition to the apparently unrelated proband previously used for the PP4 code (PMID: 25352739, PMID: 36882936, PMID: 28863407, PMID: 12402343, PMID: 32531858. PS4_Supporting). The variant has been reported to segregate with retinal dystrophy through at least 4 affected meioses total from at least 2 families (PP1_Strong; PMID: PMID: 25352739, PMID: 36882936). In summary, this variant is classified as pathogenic for RPGR-related retinopathy based on the ClinGen X-linked Inherited Retinal Disease Expert Panel Specifications to the ACMG/AMP Variant Interpretation Guidelines for RPGR Version 1.0.0; PVS1, PS4_Supporting, PM2_ Supporting, PP4, PP1_Strong.

Labcorp Genetics (formerly Invitae), Labcorp
Classification: Pathogenic for Primary ciliary dyskinesia. Last evaluated: 2024-03-15. Review status: criteria provided, single submitter. Criteria: Invitae Variant Classification Sherloc (09022015). Collection method: clinical testing. Allele origin: germline. Not counted in ClinVar's aggregate classification.
Comment: This sequence change creates a premature translational stop signal (p.Glu848Glyfs*241) in the RPGR (ORF15) gene. While this is not anticipated to result in nonsense mediated decay, it is expected to disrupt the last 305 amino acid(s) of the RPGR (ORF15) protein. The frequency data for this variant in the population databases is considered unreliable, as metrics indicate poor data quality at this position in the gnomAD database. This premature translational stop signal has been observed in individuals with X-linked retinitis pigmentosa (PMID: 12402343, 25352739). It has also been observed to segregate with disease in related individuals. This variant is also known as g.ORF15+414delA . ClinVar contains an entry for this variant (Variation ID: 866274). This variant disrupts a region of the RPGR (ORF15) protein in which other variant(s) (p.Leu1130Lysfs*13 ) have been determined to be pathogenic (PMID: 22264887). This suggests that this is a clinically significant region of the protein, and that variants that disrupt it are likely to be disease-causing. For these reasons, this variant has been classified as Pathogenic.

Institute of Human Genetics, Univ. Regensburg, Univ. Regensburg
Classification: Pathogenic for Retinal dystrophy. Last evaluated: 2023-01-01. Review status: criteria provided, single submitter. Criteria: ACMG Guidelines, 2015. Collection method: clinical testing. Allele origin: germline. Affected: yes. Not counted in ClinVar's aggregate classification.

DBGen Ocular Genomics
Classification: Pathogenic for Retinitis pigmentosa 3. Last evaluated: 2021-05-25. Review status: criteria provided, single submitter. Criteria: ACMG Guidelines, 2015. Collection method: clinical testing. Allele origin: germline. Affected: yes. Observed: 1 variant allele. Not counted in ClinVar's aggregate classification.

Blueprint Genetics
Classification: Pathogenic for Retinal dystrophy. Last evaluated: 2019-01-24. Review status: criteria provided, single submitter. Criteria: Blueprint Genetics Variant Classification Scheme. Collection method: clinical testing. Allele origin: germline. Affected: yes. Not counted in ClinVar's aggregate classification.

CeGaT Center for Human Genetics Tuebingen
Classification: Pathogenic. Last evaluated: 2017-02-01. Review status: criteria provided, single submitter. Criteria: CeGaT Center For Human Genetics Tuebingen Variant Classification Criteria Version 2. Collection method: clinical testing. Allele origin: germline. Affected: yes. Observed: 1 variant allele. Not counted in ClinVar's aggregate classification.

Blueprint Genetics
Classification: Pathogenic for Retinitis pigmentosa 3. Review status: no assertion criteria provided. Collection method: clinical testing. Allele origin: germline. Affected: yes. Not counted in ClinVar's aggregate classification.

Literature cited by the submitters: PubMed 12402343 (cited by Labcorp Genetics (formerly Invitae), Labcorp and Institute of Human Genetics, Univ. Regensburg, Univ. Regensburg); PubMed 25352739 (cited by Labcorp Genetics (formerly Invitae), Labcorp and Institute of Human Genetics, Univ. Regensburg, Univ. Regensburg); PubMed 22264887 (cited by Labcorp Genetics (formerly Invitae), Labcorp); PubMed 28863407 (cited by Institute of Human Genetics, Univ. Regensburg, Univ. Regensburg); PubMed 34828430 (cited by Institute of Human Genetics, Univ. Regensburg, Univ. Regensburg); PubMed 34985506 (cited by Institute of Human Genetics, Univ. Regensburg, Univ. Regensburg).

NM_001034853.2(RPGR):c.2543del (p.Glu848fs)

Gene: RPGR (retinitis pigmentosa GTPase regulator; minus strand). Cytogenetic location: Xp11.4.
Variant type: Deletion.
Coding change: c.2543del on transcript NM_001034853.2 (MANE Select); coding-DNA position 2543, one base deleted (A; older notation c.2543delA).
Protein change: p.Glu848fs; shifts the reading frame from glutamic acid 848.
Molecular consequence: frameshift variant. On other transcripts: intron variant (8).
Genome position (GRCh38, 1-based): chrX:38,286,456, T deleted on the plus strand (A on the coding strand, the reverse complement: RPGR is on the minus strand). VCF-style (leftmost placement, unchanged base first): chrX-38286455-CT-C. GRCh37 (hg19) VCF-style: chrX-38145708-CT-C.
Other names: NM_001034853.2(RPGR):c.2543del; p.Glu848fs; c.1569+4503del (NM_001367249.1, NM_001367250.1); c.1902+638del (NM_001367245.1); c.1386+4503del (NM_001367251.1); c.1719+638del (NM_001367246.1); c.1572+4503del (NM_001367247.1); c.1905+638del (NM_000328.3); and 1 more; short protein forms E848fs.
Identifiers: ClinVar variation 866274 (VCV000866274.49), dbSNP rs1233849070, ClinGen allele CA640956478.